The following is an entry in ClinVar:

ClinVar aggregate classification (germline): Likely benign. Review status: criteria provided, multiple submitters, no conflicts (2 of 4 stars). 3 submissions from 3 submitters: Likely benign (3). Last evaluated 2026-01-14.

Conditions:
Cardiovascular phenotype. Identifiers: MedGen CN230736.
Hereditary cancer-predisposing syndrome. Also called: Hereditary neoplastic syndrome; Tumor predisposition; Neoplastic Syndromes, Hereditary; Hereditary Cancer Syndrome. Identifiers: Orphanet 140162, MedGen C0027672, MeSH D009386, MONDO:0015356.

Allele frequency attached by ClinVar (database versions not stated): gnomAD 0.00003; TOPMed 0.00004; ExAC 0.00005.
gnomAD v4.1: 8 of 1,598,946 alleles (0.0005%); highest among the groups gnomAD compares: African/African-American, 0.008%; no homozygotes.

Submissions (3):

Labcorp Genetics (formerly Invitae), Labcorp
Classification: Likely benign. Last evaluated: 2026-01-14. Review status: criteria provided, single submitter. Criteria: Invitae Variant Classification Sherloc (09022015). Collection method: clinical testing. Allele origin: germline.

CeGaT Center for Human Genetics Tuebingen
Classification: Likely benign. Last evaluated: 2025-09-01. Review status: criteria provided, single submitter. Criteria: CeGaT Center For Human Genetics Tuebingen Variant Classification Criteria Version 2. Collection method: clinical testing. Allele origin: germline. Affected: yes. Observed: 2 variant alleles.
Comment: LZTR1: BP4, BP7

Ambry Genetics
Classification: Likely benign for Cardiovascular phenotype; Hereditary cancer-predisposing syndrome. Last evaluated: 2022-03-02. Review status: criteria provided, single submitter. Criteria: Ambry Variant Classification Scheme 2023. Collection method: clinical testing. Allele origin: germline.

NM_006767.4(LZTR1):c.810T>C (p.Thr270=)

Gene: LZTR1 (leucine zipper like post translational regulator 1; plus strand). Cytogenetic location: 22q11.21.
Variant type: single nucleotide variant.
Coding change: c.810T>C on transcript NM_006767.4 (MANE Select); coding-DNA position 810, T replaced by C.
Protein change: p.Thr270=; no amino-acid change (threonine 270 retained).
Molecular consequence: synonymous variant.
Genome position (GRCh38, 1-based): chr22:20,991,646, T>C. VCF-style: chr22-20991646-T-C. GRCh37 (hg19) VCF-style: chr22-21345935-T-C.
Other names: c.810T>C (NM_006767.3).
Identifiers: ClinVar variation 1915528 (VCV001915528.23), dbSNP rs765611458, ClinGen allele CA10118643.